The following is an entry in ClinVar:

NM_030786.3(SYNC):c.540G>A (p.Gln180=)

Gene: SYNC (syncoilin, intermediate filament protein; minus strand). Cytogenetic location: 1p35.1.
Variant type: single nucleotide variant.
Coding change: c.540G>A on transcript NM_030786.3 (MANE Select); coding-DNA position 540, G replaced by A.
Protein change: p.Gln180=; no amino-acid change (glutamine 180 retained).
Molecular consequence: synonymous variant.
Genome position (GRCh38, 1-based): chr1:32,695,558, C>T on the plus strand (G>A on the coding strand, the complement: SYNC is on the minus strand). VCF-style: chr1-32695558-C-T. GRCh37 (hg19) VCF-style: chr1-33161159-C-T.
Other names: c.540G>A, p.Gln180= (NM_001161708.2).
Identifiers: ClinVar variation 2638610 (VCV002638610.24), dbSNP rs138479784, ClinGen allele CA743931.

ClinVar aggregate classification (germline): Likely benign (1 of 4 stars; one submission).

Allele frequency attached by ClinVar (database versions not stated): ESP Exome Variant Server 0.00044; ExAC 0.00050; gnomAD 0.00126; TOPMed 0.00153; 1000 Genomes Project 30x 0.00234; 1000 Genomes Project 0.00260.
gnomAD v4.1: 593 of 1,551,518 alleles (0.038%); highest among the groups gnomAD compares: African/African-American, 0.4%; 2 homozygotes.

Submission:

CeGaT Center for Human Genetics Tuebingen
Classification: Likely benign. Last evaluated: 2022-07-01. Review status: criteria provided, single submitter. Criteria: CeGaT Center For Human Genetics Tuebingen Variant Classification Criteria Version 2. Collection method: clinical testing. Allele origin: germline. Affected: yes. Observed: 1 variant allele.
Comment: SYNC: BP4, BP7